The following is an entry in ClinVar:

NM_016562.4(TLR7):c.32A>T (p.Gln11Leu)

Gene: TLR7 (toll like receptor 7; plus strand). Cytogenetic location: Xp22.2.
Variant type: single nucleotide variant.
Coding change: c.32A>T on transcript NM_016562.4 (MANE Select); coding-DNA position 32, A replaced by T.
Protein change: p.Gln11Leu; replaces glutamine 11 with leucine.
Molecular consequence: missense variant.
Genome position (GRCh38, 1-based): chrX:12,885,540, A>T. VCF-style: chrX-12885540-A-T. GRCh37 (hg19) VCF-style: chrX-12903659-A-T.
Other names: p.Gln11Leu; short protein forms Q11L.
Identifiers: ClinVar variation 2015182 (VCV002015182.7), dbSNP rs179008, ClinGen allele CA10349891.

ClinVar aggregate classification (germline): Benign. Review status: criteria provided, multiple submitters, no conflicts (2 of 4 stars). 3 submissions from 3 submitters: Benign (3). Last evaluated 2026-02-04.

Allele frequency attached by ClinVar (database versions not stated): gnomAD 0.18088; ESP Exome Variant Server 0.18461; 1000 Genomes Project 0.11815; 1000 Genomes Project 30x 0.11925; ExAC 0.18008; TOPMed 0.17702; gnomAD exomes 0.19905.
gnomAD v4.1: 236,583 of 1,202,693 alleles (20%); highest among the groups gnomAD compares: Non-Finnish European, 21%; 17,131 homozygotes.

Submissions (3):

Labcorp Genetics (formerly Invitae), Labcorp
Classification: Benign. Last evaluated: 2026-02-04. Review status: criteria provided, single submitter. Criteria: Invitae Variant Classification Sherloc (09022015). Collection method: clinical testing. Allele origin: germline.

Unidad de Genómica Garrahan, Hospital de Pediatría Garrahan
Classification: Benign. Last evaluated: 2024-01-24. Review status: criteria provided, single submitter. Criteria: ACMG Guidelines, 2015. Collection method: clinical testing. Allele origin: germline. Affected: no. Observed: 23 variant alleles.
Comment: This variant is classified as Benign based on local population frequency. This variant was detected in 24% of patients studied by a panel of primary immunodeficiencies. Number of patients: 23. Only high quality variants are reported.

Mayo Clinic Laboratories, Mayo Clinic
Classification: Benign. Last evaluated: 2023-07-21. Review status: criteria provided, single submitter. Criteria: ACMG Guidelines, 2015. Collection method: clinical testing. Allele origin: germline. Observed: 131 variant alleles.
Comment: BA1, BS2, BP4

Literature cited by the submitters: PubMed 18088248 (cited by Mayo Clinic Laboratories, Mayo Clinic); PubMed 18682521 (cited by Mayo Clinic Laboratories, Mayo Clinic); PubMed 19114863 (cited by Mayo Clinic Laboratories, Mayo Clinic); PubMed 20872712 (cited by Mayo Clinic Laboratories, Mayo Clinic); PubMed 21947541 (cited by Mayo Clinic Laboratories, Mayo Clinic); PubMed 24071890 (cited by Mayo Clinic Laboratories, Mayo Clinic); PubMed 29290528 (cited by Mayo Clinic Laboratories, Mayo Clinic); PubMed 34482844 (cited by Mayo Clinic Laboratories, Mayo Clinic).